The following is an entry in ClinVar:

NM_000038.6(APC):c.4031C>G (p.Ser1344Ter)

Gene: APC (APC regulator of Wnt signaling pathway; plus strand). Cytogenetic location: 5q22.2.
Variant type: single nucleotide variant.
Coding change: c.4031C>G on transcript NM_000038.6 (MANE Select); coding-DNA position 4031, C replaced by G.
Protein change: p.Ser1344Ter; replaces serine 1344 with a stop codon.
Molecular consequence: nonsense.
Genome position (GRCh38, 1-based): chr5:112,839,625, C>G. VCF-style: chr5-112839625-C-G. GRCh37 (hg19) VCF-style: chr5-112175322-C-G.
Other names: c.4031C>G, p.Ser1344Ter (NM_001127510.3, NM_001354895.2); c.3977C>G, p.Ser1326Ter (NM_001127511.3); c.4085C>G, p.Ser1362Ter (NM_001354896.2); c.4061C>G, p.Ser1354Ter (NM_001354897.2); c.3956C>G, p.Ser1319Ter (NM_001354898.2); c.3947C>G, p.Ser1316Ter (NM_001354899.2); c.3908C>G, p.Ser1303Ter (NM_001354900.2); c.3854C>G, p.Ser1285Ter (NM_001354901.2); and 5 more; short protein forms S1326*, S1344*, S1184*, S1253*, S1316*, S1061*, S1243*, S1218*.
Identifiers: ClinVar variation 428137 (VCV000428137.10), dbSNP rs1114167578, ClinGen allele CA16030168.

ClinVar aggregate classification (germline): Pathogenic. Review status: criteria provided, multiple submitters, no conflicts (2 of 4 stars). 3 submissions from 3 submitters: Pathogenic (3). Last evaluated 2024-02-07.

Conditions:
Familial adenomatous polyposis 1 (FAP1). Also called: FAMILIAL ADENOMATOUS POLYPOSIS 1, ATTENUATED; POLYPOSIS, ADENOMATOUS INTESTINAL. Identifiers: MedGen C2713442, MONDO:0021056, OMIM 175100. Disease mechanism: loss of function.
Hereditary cancer-predisposing syndrome. Also called: Hereditary Cancer Syndrome; Neoplastic Syndromes, Hereditary; Hereditary neoplastic syndrome; Tumor predisposition. Identifiers: Orphanet 140162, MedGen C0027672, MeSH D009386, MONDO:0015356.

Submissions (3):

Ambry Genetics
Classification: Pathogenic for Hereditary cancer-predisposing syndrome. Last evaluated: 2024-02-07. Review status: criteria provided, single submitter. Criteria: Ambry Variant Classification Scheme 2023. Collection method: clinical testing. Allele origin: germline.
Comment: The p.S1344* pathogenic mutation (also known as c.4031C>G), located in coding exon 15 of the APC gene, results from a C to G substitution at nucleotide position 4031. This changes the amino acid from a serine to a stop codon within coding exon 15. This alteration was identified in 1/1166 unrelated German index patients with a clinical diagnosis of FAP or AFAP (Friedl W et al. Hered Cancer Clin Pract 2005 Sep;3:95-114). In addition to the clinical data presented in the literature, this alteration is expected to result in loss of function by premature protein truncation or nonsense-mediated mRNA decay. As such, this alteration is interpreted as a disease-causing mutation.

Myriad Genetics, Inc.
Classification: Pathogenic for Familial adenomatous polyposis 1. Last evaluated: 2023-05-10. Review status: criteria provided, single submitter. Criteria: Myriad Autosomal Dominant, Autosomal Recessive and X-Linked Classification Criteria (2023). Collection method: clinical testing. Allele origin: unknown.
Comment: This variant is considered pathogenic. This variant creates a termination codon and is predicted to result in premature protein truncation.

Labcorp Genetics (formerly Invitae), Labcorp
Classification: Pathogenic for Familial adenomatous polyposis 1. Last evaluated: 2023-01-03. Review status: criteria provided, single submitter. Criteria: Invitae Variant Classification Sherloc (09022015). Collection method: clinical testing. Allele origin: germline.
Comment: For these reasons, this variant has been classified as Pathogenic. This variant disrupts a region of the APC protein in which other variant(s) (p.Tyr2645Lysfs*14) have been determined to be pathogenic (PMID: 1316610, 8381579, 9824584, 22135120, 27081525). This suggests that this is a clinically significant region of the protein, and that variants that disrupt it are likely to be disease-causing. ClinVar contains an entry for this variant (Variation ID: 428137). This premature translational stop signal has been observed in individual(s) with clinical features of familial adenomatous polyposis (PMID: 20223039, 30093976). This variant is not present in population databases (gnomAD no frequency). This sequence change creates a premature translational stop signal (p.Ser1344*) in the APC gene. While this is not anticipated to result in nonsense mediated decay, it is expected to disrupt the last 1500 amino acid(s) of the APC protein.

Literature cited by the submitters: PubMed 20223039 (cited by Ambry Genetics and Labcorp Genetics (formerly Invitae), Labcorp); PubMed 1316610 (cited by Labcorp Genetics (formerly Invitae), Labcorp); PubMed 8381579 (cited by Labcorp Genetics (formerly Invitae), Labcorp); PubMed 9824584 (cited by Labcorp Genetics (formerly Invitae), Labcorp); PubMed 22135120 (cited by Labcorp Genetics (formerly Invitae), Labcorp); PubMed 27081525 (cited by Labcorp Genetics (formerly Invitae), Labcorp); PubMed 30093976 (cited by Labcorp Genetics (formerly Invitae), Labcorp).